The following is an entry in ClinVar:

ClinVar aggregate classification (germline): Uncertain significance (1 of 4 stars; one submission).

Conditions:
Aortic aneurysm, familial thoracic 8 (AAT8). Identifiers: MedGen C3809513, MONDO:0014187, OMIM 615436.

Submission:

Labcorp Genetics (formerly Invitae), Labcorp
Classification: Uncertain significance for Aortic aneurysm, familial thoracic 8. Last evaluated: 2023-12-12. Review status: criteria provided, single submitter. Criteria: Invitae Variant Classification Sherloc (09022015). Collection method: clinical testing. Allele origin: germline.
Comment: This sequence change replaces glycine, which is neutral and non-polar, with glutamic acid, which is acidic and polar, at codon 302 of the PRKG1 protein (p.Gly302Glu). This variant is not present in population databases (gnomAD no frequency). This variant has not been reported in the literature in individuals affected with PRKG1-related conditions. An algorithm developed to predict the effect of missense changes on protein structure and function (PolyPhen-2) suggests that this variant is likely to be disruptive. In summary, the available evidence is currently insufficient to determine the role of this variant in disease. Therefore, it has been classified as a Variant of Uncertain Significance.

NM_006258.4(PRKG1):c.905G>A (p.Gly302Glu)

Gene: PRKG1 (protein kinase cGMP-dependent 1; plus strand). Cytogenetic location: 10q21.1.
Variant type: single nucleotide variant.
Coding change: c.905G>A on transcript NM_006258.4 (MANE Select); coding-DNA position 905, G replaced by A.
Protein change: p.Gly302Glu; replaces glycine 302 with glutamic acid.
Molecular consequence: missense variant. On other transcripts: 5 prime UTR variant (1).
Genome position (GRCh38, 1-based): chr10:52,062,601, G>A. VCF-style: chr10-52062601-G-A. GRCh37 (hg19) VCF-style: chr10-53822361-G-A.
Other names: c.860G>A, p.Gly287Glu (NM_001098512.3); c.-305G>A (NM_001374781.1); c.905G>A, p.Gly302Glu (NM_001374782.1); short protein forms G302E, G287E.
Identifiers: ClinVar variation 2702527 (VCV002702527.3), dbSNP rs1846263303, ClinGen allele CA376534101.